The following is an entry in ClinVar:

NM_001042492.3(NF1):c.8161-17C>T

Gene: NF1 (neurofibromin 1; plus strand). Cytogenetic location: 17q11.2.
Variant type: single nucleotide variant.
Coding change: c.8161-17C>T on transcript NM_001042492.3 (MANE Select); 17 bases into the intron before coding-DNA position 8161, C replaced by T.
Molecular consequence: intron variant.
Genome position (GRCh38, 1-based): chr17:31,360,470, C>T. VCF-style: chr17-31360470-C-T. GRCh37 (hg19) VCF-style: chr17-29687488-C-T.
Other names: c.8098-17C>T (NM_000267.4).
Identifiers: ClinVar variation 1544915 (VCV001544915.9), dbSNP rs2151587536, ClinGen allele CA2573153463.
Genomic context (GRCh38, chr17:31,360,470, plus strand): 5'-AAATTAATATTTTTGGCTTCAGATGGGGATTTACTTAAAAAAAAGGAACTAAAATAATTT[C>T]CTATTTTCCATTACAGCAAACACAAATTCCAGACTATGCTGAGCTTATTGTTAAGTTTCT-3'

ClinVar aggregate classification (germline): Likely benign. Review status: criteria provided, multiple submitters, no conflicts (2 of 4 stars). 2 submissions from 2 submitters: Likely benign (2). Last evaluated 2026-09-23.

Conditions:
Neurofibromatosis, type 1 (NF1). Also called: NEUROFIBROMATOSIS, TYPE I, SOMATIC; Neurofibromatosis, type I; VON RECKLINGHAUSEN DISEASE; Peripheral type neurofibromatosis. Identifiers: Orphanet 636, MedGen C0027831, MONDO:0018975, OMIM 162200. Disease mechanism: loss of function.

Submissions (2):

Myriad Genetics, Inc.
Classification: Likely benign for Neurofibromatosis, type 1. Last evaluated: 2026-09-23. Review status: criteria provided, single submitter. Criteria: Myriad Autosomal Dominant, Autosomal Recessive and X-Linked Classification Criteria (2023). Collection method: clinical testing. Allele origin: unknown.
Comment: This variant is considered likely benign. This variant is intronic and is not expected to impact mRNA splicing.

Labcorp Genetics (formerly Invitae), Labcorp
Classification: Likely benign for Neurofibromatosis, type 1. Last evaluated: 2024-01-21. Review status: criteria provided, single submitter. Criteria: Invitae Variant Classification Sherloc (09022015). Collection method: clinical testing. Allele origin: germline.